The following is an entry in ClinVar:

ClinVar aggregate classification (germline): Uncertain significance (1 of 4 stars; one submission).

Conditions:
Malignant hyperthermia, susceptibility to, 1 (MHS1). Also called: RYR1-Related Malignant Hyperthermia Susceptibility; Malignant hyperthermia suceptibility 1; Anesthesia related hyperthermia; Malignant hyperpyrexia; Fulminating hyperpyrexia; Pharmacogenic myopathy. Identifiers: Orphanet 423, MedGen C2930980, MONDO:0007783, OMIM 145600.

Submission:

Color Diagnostics, LLC DBA Color Health
Classification: Uncertain significance for Malignant hyperthermia, susceptibility to, 1. Last evaluated: 2025-07-08. Review status: criteria provided, single submitter. Criteria: ACMG Guidelines, 2015. Collection method: clinical testing. Allele origin: germline.
Comment: This missense variant replaces glycine with valine at codon 1566 of the RYR1 protein. Computational prediction suggests that this variant may have deleterious impact on protein structure and function. To our knowledge, functional studies have not been reported for this variant. This variant has not been reported in individuals affected with RYR1-related disorders in the literature. This variant has not been identified in the general population by the Genome Aggregation Database (gnomAD). The available evidence is insufficient to determine the role of this variant in disease conclusively. Therefore, this variant is classified as a Variant of Uncertain Significance.

NM_000540.3(RYR1):c.4697G>T (p.Gly1566Val)

Gene: RYR1 (ryanodine receptor 1; plus strand). Cytogenetic location: 19q13.2.
Variant type: single nucleotide variant.
Coding change: c.4697G>T on transcript NM_000540.3 (MANE Select); coding-DNA position 4697, G replaced by T.
Protein change: p.Gly1566Val; replaces glycine 1566 with valine.
Molecular consequence: missense variant.
Genome position (GRCh38, 1-based): chr19:38,483,103, G>T. VCF-style: chr19-38483103-G-T. GRCh37 (hg19) VCF-style: chr19-38973743-G-T.
Other names: c.4697G>T, p.Gly1566Val (NM_001042723.2); short protein forms G1566V.
Identifiers: ClinVar variation 4756696 (VCV004756696.1).